The following is an entry in ClinVar:

NM_017780.4(CHD7):c.4034G>T (p.Arg1345Leu)

Gene: CHD7 (chromodomain helicase DNA binding protein 7; plus strand). Cytogenetic location: 8q12.2.
Variant type: single nucleotide variant.
Coding change: c.4034G>T on transcript NM_017780.4 (MANE Select); coding-DNA position 4034, G replaced by T.
Protein change: p.Arg1345Leu; replaces arginine 1345 with leucine.
Molecular consequence: missense variant. On other transcripts: intron variant (1).
Genome position (GRCh38, 1-based): chr8:60,836,861, G>T. VCF-style: chr8-60836861-G-T. GRCh37 (hg19) VCF-style: chr8-61749420-G-T.
Other names: c.1717-25368G>T (NM_001316690.1); short protein forms R1345L.
Identifiers: ClinVar variation 1307178 (VCV001307178.2), dbSNP rs1804766911, ClinGen allele CA371316659.

ClinVar aggregate classification (germline): Uncertain significance (1 of 4 stars; one submission).

Submission:

GeneDx
Classification: Uncertain significance. Last evaluated: 2019-03-05. Review status: criteria provided, single submitter. Criteria: GeneDx Variant Classification Process June 2021. Collection method: clinical testing. Allele origin: germline. Affected: yes.
Comment: Not observed in large population cohorts (Lek et al., 2016); In silico analysis, which includes protein predictors and evolutionary conservation, supports a deleterious effect; Has not been previously published as pathogenic or benign to our knowledge